The following is an entry in ClinVar:

ClinVar aggregate classification (germline): Uncertain significance. Review status: criteria provided, multiple submitters, no conflicts (2 of 4 stars). 3 submissions from 3 submitters: Uncertain significance (3). Last evaluated 2025-10-20.

Conditions:
Nephrolithiasis/nephrocalcinosis. Identifiers: MedGen CN580796.
Lowe syndrome (OCRL). Also called: LOWE OCULOCEREBRORENAL SYNDROME; PHOSPHATIDYLINOSITOL 4,5-BISPHOSPHATE 5-PHOSPHATASE DEFICIENCY; Oculocerebrorenal Syndrome. Identifiers: Orphanet 534, MedGen C0028860, MONDO:0010645, OMIM 309000.
Dent disease type 2. Identifiers: Orphanet 1652, Orphanet 93623, MedGen C1845167, MONDO:0010359, OMIM 300555.

gnomAD v4.1: 11 of 1,193,904 alleles (0.00092%); highest among the groups gnomAD compares: Non-Finnish European, 0.0012%; no homozygotes.

Submissions (3):

Labcorp Genetics (formerly Invitae), Labcorp
Classification: Uncertain significance for Lowe syndrome. Last evaluated: 2025-10-20. Review status: criteria provided, single submitter. Criteria: Invitae Variant Classification Sherloc (09022015). Collection method: clinical testing. Allele origin: germline.
Comment: This sequence change replaces lysine, which is basic and polar, with arginine, which is basic and polar, at codon 701 of the OCRL protein (p.Lys701Arg). This variant is not present in population databases (gnomAD no frequency). This variant has not been reported in the literature in individuals affected with OCRL-related conditions. ClinVar contains an entry for this variant (Variation ID: 3598024). Invitae Evidence Modeling of protein sequence and biophysical properties (such as structural, functional, and spatial information, amino acid conservation, physicochemical variation, residue mobility, and thermodynamic stability) indicates that this missense variant is not expected to disrupt OCRL protein function with a negative predictive value of 80%. In summary, the available evidence is currently insufficient to determine the role of this variant in disease. Therefore, it has been classified as a Variant of Uncertain Significance.

Ambry Genetics
Classification: Uncertain significance for Nephrolithiasis/nephrocalcinosis. Last evaluated: 2025-04-03. Review status: criteria provided, single submitter. Criteria: Ambry Variant Classification Scheme 2023. Collection method: clinical testing. Allele origin: germline.

Fulgent Genetics
Classification: Uncertain significance for Dent disease type 2; Lowe syndrome. Last evaluated: 2024-06-17. Review status: criteria provided, single submitter. Criteria: ACMG Guidelines, 2015. Collection method: clinical testing. Allele origin: germline.

NM_000276.4(OCRL):c.2102A>G (p.Lys701Arg)

Gene: OCRL (OCRL inositol polyphosphate-5-phosphatase; plus strand). Cytogenetic location: Xq26.1.
Variant type: single nucleotide variant.
Coding change: c.2102A>G on transcript NM_000276.4 (MANE Select); coding-DNA position 2102, A replaced by G.
Protein change: p.Lys701Arg; replaces lysine 701 with arginine.
Molecular consequence: missense variant.
Genome position (GRCh38, 1-based): chrX:129,576,539, A>G. VCF-style: chrX-129576539-A-G. GRCh37 (hg19) VCF-style: chrX-128710516-A-G.
Other names: c.2105A>G, p.Lys702Arg (NM_001318784.2); c.2102A>G, p.Lys701Arg (NM_001587.4); c.2102A>G (NM_000276.3); short protein forms K702R, K701R.
Identifiers: ClinVar variation 3598024 (VCV003598024.3).